The following is an entry in ClinVar:

NM_032043.3(BRIP1):c.670G>C (p.Gly224Arg)

Gene: BRIP1 (BRCA1 interacting DNA helicase 1; minus strand). Cytogenetic location: 17q23.2.
Variant type: single nucleotide variant.
Coding change: c.670G>C on transcript NM_032043.3 (MANE Select); coding-DNA position 670, G replaced by C.
Protein change: p.Gly224Arg; replaces glycine 224 with arginine.
Molecular consequence: missense variant.
Genome position (GRCh38, 1-based): chr17:61,808,715, C>G on the plus strand (G>C on the coding strand, the complement: BRIP1 is on the minus strand). VCF-style: chr17-61808715-C-G. GRCh37 (hg19) VCF-style: chr17-59886076-C-G.
Other names: short protein forms G224R.
Identifiers: ClinVar variation 581233 (VCV000581233.13), dbSNP rs1567838486, ClinGen allele CA400485166.

ClinVar aggregate classification (germline): Uncertain significance. Review status: criteria provided, multiple submitters, no conflicts (2 of 4 stars). 4 submissions from 4 submitters: Uncertain significance (4). Last evaluated 2024-03-01.

Conditions:
Hereditary cancer-predisposing syndrome. Also called: Hereditary neoplastic syndrome; Tumor predisposition; Hereditary Cancer Syndrome; Neoplastic Syndromes, Hereditary. Identifiers: Orphanet 140162, MedGen C0027672, MeSH D009386, MONDO:0015356.
Fanconi anemia complementation group J. Also called: BRIP1-Related Fanconi Anemia. Identifiers: Orphanet 84, MedGen C1836860, MONDO:0012187, OMIM 609054.
Familial cancer of breast. Also called: hereditary breast carcinoma; BREAST CANCER, FAMILIAL; Hereditary breast cancer. Identifiers: Orphanet 227535, MedGen C0346153, MONDO:0016419, OMIM 114480. Disease mechanism: loss of function.

Allele frequency attached by ClinVar (database versions not stated): gnomAD exomes below 0.00001.
gnomAD v4.1: 1 of 1,613,728 alleles (0.000062%); highest among the groups gnomAD compares: Non-Finnish European, 0.000085%; no homozygotes.

Submissions (4):

Labcorp Genetics (formerly Invitae), Labcorp
Classification: Uncertain significance for Familial cancer of breast; Fanconi anemia complementation group J. Last evaluated: 2024-03-01. Review status: criteria provided, single submitter. Criteria: Invitae Variant Classification Sherloc (09022015). Collection method: clinical testing. Allele origin: germline.
Comment: This sequence change replaces glycine, which is neutral and non-polar, with arginine, which is basic and polar, at codon 224 of the BRIP1 protein (p.Gly224Arg). This variant is not present in population databases (gnomAD no frequency). This variant has not been reported in the literature in individuals affected with BRIP1-related conditions. ClinVar contains an entry for this variant (Variation ID: 581233). Advanced modeling of protein sequence and biophysical properties (such as structural, functional, and spatial information, amino acid conservation, physicochemical variation, residue mobility, and thermodynamic stability) performed at Invitae indicates that this missense variant is not expected to disrupt BRIP1 protein function with a negative predictive value of 80%. In summary, the available evidence is currently insufficient to determine the role of this variant in disease. Therefore, it has been classified as a Variant of Uncertain Significance.

GeneDx
Classification: Uncertain significance. Last evaluated: 2024-02-27. Review status: criteria provided, single submitter. Criteria: GeneDx Variant Classification Process June 2021. Collection method: clinical testing. Allele origin: germline. Affected: yes.
Comment: Not observed at significant frequency in large population cohorts (gnomAD); In silico analysis supports that this missense variant does not alter protein structure/function; Has not been previously published as pathogenic or benign to our knowledge

Ambry Genetics
Classification: Uncertain significance for Hereditary cancer-predisposing syndrome. Last evaluated: 2023-11-18. Review status: criteria provided, single submitter. Criteria: Ambry Variant Classification Scheme 2023. Collection method: clinical testing. Allele origin: germline.
Comment: The p.G224R variant (also known as c.670G>C), located in coding exon 6 of the BRIP1 gene, results from a G to C substitution at nucleotide position 670. The glycine at codon 224 is replaced by arginine, an amino acid with dissimilar properties. This amino acid position is not well conserved in available vertebrate species. In addition, this alteration is predicted to be tolerated by in silico analysis. Since supporting evidence is limited at this time, the clinical significance of this alteration remains unclear.

Department of Pathology and Laboratory Medicine, Sinai Health System
Classification: Uncertain significance for Familial cancer of breast. Last evaluated: 2023-08-29. Review status: criteria provided, single submitter. Criteria: ACMG Guidelines, 2015. Collection method: clinical testing. Allele origin: germline. Affected: yes.